The following is an entry in ClinVar:

ClinVar aggregate classification (germline): Uncertain significance. Review status: criteria provided, multiple submitters, no conflicts (2 of 4 stars). 4 submissions from 4 submitters: Uncertain significance (4). Last evaluated 2026-02-04.

Conditions:
Autosomal recessive nonsyndromic hearing loss 1B. Also called: DEAFNESS, AUTOSOMAL RECESSIVE 1B. Identifiers: Orphanet 90636, MedGen C2675235, MONDO:0012977, OMIM 612645.
Autosomal dominant nonsyndromic hearing loss 3B. Identifiers: Orphanet 90635, MedGen C2675237, MONDO:0012975, OMIM 612643.
Hidrotic ectodermal dysplasia syndrome (GJB6). Also called: Hidrotic ectodermal dysplasia; ECTODERMAL DYSPLASIA 2, CLOUSTON TYPE; CLOUSTON HIDROTIC ECTODERMAL DYSPLASIA; Ectodermal dysplasia 2, hidrotic; Autosomal dominant hidrotic ectodermal dysplasia; Clouston syndrome. Identifiers: Orphanet 189, MedGen C0162361, MONDO:0007510, OMIM 129500.
Autosomal recessive nonsyndromic hearing loss 1A (DFNB1A). Also called: GJB6-Related DFNB 1 Nonsyndromic Hearing Loss and Deafness; Nonsyndromic Hearing Loss and Deafness, DFNB1; GJB2-Related Autosomal Recessive Nonsyndromic Hearing Loss; Deafness, autosomal recessive 1A; Connexin 26 deafness; Deafness nonsyndromic, Connexin 26 linked. Identifiers: Orphanet 90636, MedGen C2673759, MONDO:0009076, OMIM 220290.
GJB6-related disorder. Also called: GJB6-related disorders.

Allele frequency attached by ClinVar (database versions not stated): gnomAD exomes 0.00003 and 0.00007; ExAC 0.00005; ESP Exome Variant Server 0.00008; gnomAD 0.00008 and 0.00009; TOPMed 0.00008.

Submissions (4):

PreventionGenetics, part of Exact Sciences
Classification: Uncertain significance for GJB6-related condition. Last evaluated: 2026-02-04. Review status: criteria provided, single submitter. Criteria: ACMG Guidelines, 2015. Collection method: clinical testing. Allele origin: germline.
Comment: The GJB6 c.631T>G variant is predicted to result in the amino acid substitution p.Cys211Gly. To our knowledge, this variant has not been reported in the literature. This variant is reported in 0.032% of alleles in individuals of African descent in gnomAD. At this time, the clinical significance of this variant is uncertain due to the absence of conclusive functional and genetic evidence.

Labcorp Genetics (formerly Invitae), Labcorp
Classification: Uncertain significance for Autosomal dominant nonsyndromic hearing loss 3B; Hidrotic ectodermal dysplasia syndrome; Autosomal recessive nonsyndromic hearing loss 1B; Autosomal recessive nonsyndromic hearing loss 1A. Last evaluated: 2025-04-08. Review status: criteria provided, single submitter. Criteria: Invitae Variant Classification Sherloc (09022015). Collection method: clinical testing. Allele origin: germline.
Comment: This sequence change replaces cysteine, which is neutral and slightly polar, with glycine, which is neutral and non-polar, at codon 211 of the GJB6 protein (p.Cys211Gly). This variant is present in population databases (rs141752846, gnomAD 0.03%). This missense change has been observed in individual(s) with hearing loss and a variant in GJB2 (PMID: 17666888). ClinVar contains an entry for this variant (Variation ID: 536989). Invitae Evidence Modeling of protein sequence and biophysical properties (such as structural, functional, and spatial information, amino acid conservation, physicochemical variation, residue mobility, and thermodynamic stability) indicates that this missense variant is not expected to disrupt GJB6 protein function with a negative predictive value of 80%. In summary, the available evidence is currently insufficient to determine the role of this variant in disease. Therefore, it has been classified as a Variant of Uncertain Significance.

Blueprint Genetics
Classification: Uncertain significance. Last evaluated: 2024-09-10. Review status: criteria provided, single submitter. Criteria: ACMG Guidelines, 2015. Collection method: clinical testing. Allele origin: germline.

GeneDx
Classification: Uncertain significance. Last evaluated: 2023-10-10. Review status: criteria provided, single submitter. Criteria: GeneDx Variant Classification Process June 2021. Collection method: clinical testing. Allele origin: germline. Affected: yes.
Comment: Observed heterozygous in a patient with hearing loss in published literature (Putcha et al., 2007); In silico analysis supports that this missense variant has a deleterious effect on protein structure/function; This variant is associated with the following publications: (PMID: 17666888)

Literature cited by the submitters: PubMed 17666888 (cited by Labcorp Genetics (formerly Invitae), Labcorp).

NM_001110219.3(GJB6):c.631T>G (p.Cys211Gly)

Gene: GJB6 (gap junction protein beta 6; minus strand). Cytogenetic location: 13q12.11.
Variant type: single nucleotide variant.
Coding change: c.631T>G on transcript NM_001110219.3 (MANE Select); coding-DNA position 631, T replaced by G.
Protein change: p.Cys211Gly; replaces cysteine 211 with glycine.
Molecular consequence: missense variant.
Genome position (GRCh38, 1-based): chr13:20,222,850, A>C on the plus strand (T>G on the coding strand, the complement: GJB6 is on the minus strand). VCF-style: chr13-20222850-A-C. GRCh37 (hg19) VCF-style: chr13-20796989-A-C.
Other names: c.631T>G, p.Cys211Gly (NM_001110220.3, NM_001110221.3, NM_001370090.1 and 3 more transcripts); c.631T>G (NM_001110219.2); short protein forms C211G.
Identifiers: ClinVar variation 536989 (VCV000536989.13), dbSNP rs141752846, ClinGen allele CA6904406.
Genomic context (GRCh38, chr13:20,222,850, plus strand): 5'-GATTTTTTTGCGTCTGTGCTCTCTTTGATCTCCTAAAACACACTTTCAGCAGCAGGTAGC[A>C]CAACTCTGCCACGTTAAGCAGCATGCAAATCACAGACGCAGAAATCATAAAAATGGTAAA-3'
Protein context (NP_001103689.1, residues 201-221): ICMLLNVAEL[Cys211Gly]YLLLKVCFRR